The following is an entry in ClinVar:

NM_025114.4(CEP290):c.4028del (p.Lys1343fs)

Gene: CEP290 (centrosomal protein 290; minus strand). Cytogenetic location: 12q21.32.
Variant type: Deletion.
Coding change: c.4028del on transcript NM_025114.4 (MANE Select); coding-DNA position 4028, one base deleted (A; older notation c.4028delA).
Protein change: p.Lys1343fs; shifts the reading frame from lysine 1343.
Molecular consequence: frameshift variant.
Genome position (GRCh38, 1-based): chr12:88,089,033, T deleted on the plus strand (A on the coding strand, the reverse complement: CEP290 is on the minus strand); the first of 4 consecutive T bases (chr12:88,089,033-88,089,036); deleting any one gives the same sequence. VCF-style (leftmost placement, unchanged base first): chr12-88089032-CT-C. GRCh37 (hg19) VCF-style: chr12-88482809-CT-C.
Other names: NM_025114.4(CEP290):c.4028del; c.4028delA (NM_025114.3); short protein forms K1343fs.
Identifiers: ClinVar variation 618559 (VCV000618559.29), dbSNP rs1213286417, ClinGen allele CA606675525.

ClinVar aggregate classification (germline): Pathogenic. Review status: reviewed by expert panel (3 of 4 stars). 11 submissions from 11 submitters: Pathogenic (1). 10 of the submissions do not count toward it. Last evaluated 2026-07-20.

Conditions:
CEP290-related ciliopathy. Also called: CEP290 ciliopathy. Identifiers: MedGen CN305601, MONDO:0100451.
CEP290-related disorder. Also called: CEP290-related condition; CEP290-related disorders. Identifiers: MedGen CN239314.
Meckel syndrome, type 4 (MKS4). Also called: MECKEL-GRUBER SYNDROME, TYPE 4. Identifiers: Orphanet 564, MedGen C1970161, MONDO:0012626, OMIM 611134.
Joubert syndrome 5 (JBTS5). Identifiers: Orphanet 2318, MedGen C1857780, MONDO:0012432, OMIM 610188.
Leber congenital amaurosis 10 (LCA10). Identifiers: Orphanet 65, MedGen C1857821, MONDO:0012723, OMIM 611755.
Senior-Loken syndrome 6 (SLSN6). Identifiers: Orphanet 3156, MedGen C1857779, MONDO:0012433, OMIM 610189.
Meckel-Gruber syndrome. Also called: DYSENCEPHALIA SPLANCHNOCYSTICA; GRUBER SYNDROME; Dysencephalia splachnocystica. Identifiers: Orphanet 564, MedGen C0265215, MONDO:0018921.
Joubert syndrome. Also called: Familial aplasia of the vermis; JOUBERT-BOLTSHAUSER SYNDROME. Identifiers: Orphanet 475, MedGen C5979921, MONDO:0018772.
Nephronophthisis. Also called: Juvenile Nephronophthisis. Identifiers: Orphanet 655, MedGen C0687120, MONDO:0019005, HP:0000090.
Bardet-Biedl syndrome 14 (BBS14). Identifiers: Orphanet 110, MedGen C2673874, MONDO:0014442, OMIM 615991.
Leber congenital amaurosis (LCA). Also called: Leber's amaurosis. Identifiers: Orphanet 65, MedGen C0339527, MeSH D057130, MONDO:0018998.

Submissions (11):

ClinGen Leber Congenital Amaurosis/early Onset Retinal Dystrophy Variant Curation Expert Panel, ClinGen
Classification: Pathogenic for CEP290-related ciliopathy. Last evaluated: 2026-07-20. Review status: reviewed by expert panel. Criteria: ClinGen LCAeoRD ACMG Specifications CEP290 V1.0.0. Collection method: curation. Allele origin: germline. Inheritance: Autosomal recessive inheritance.
Comment: NM_025114.4(CEP290):c.4028del (p.Lys1343ArgfsTer2) is a frameshift variant in exon 31 of 54 that introduces a premature stop codon and is predicted to lead to nonsense-mediated decay in a gene in which loss-of-function is an established mechanism of disease (PVS1). This variant is present in gnomAD v.4.1.1 at a total allele frequency of 0.00001279, with 19 alleles / 1,485,614 total alleles, which is lower than the ClinGen LCA/eoRD VCEP PM2_Supporting threshold of <0.0006 (PM2_Supporting). At least one proband harboring this variant exhibits a phenotype including diagnosis of Joubert syndrome (0.5 pts), retinal dystrophy, nystagmus (0.5 pts), psychomotor delay (0.5 pts), cerebellar atrophy, chronic renal failure (0.5 pts), and macrocephaly, with genotyping by microarray chip as well as by next-generation sequencing panel with >100 candidate genes that did not identify an alternative basis for disease (2 pts), which together are specific for CEP290-related ciliopathy (total 4 points, PMID: 29588463, PP4). In summary, this variant meets the criteria to be classified as Pathogenic for CEP290-related ciliopathy based on the ACMG/AMP criteria applied, as specified by the ClinGen LCA/eoRD VCEP: PVS1, PM2_Supporting, and PP4. (LCA/eoRD VCEP Specifications for CEP290 Version 1.0.0)

PreventionGenetics, part of Exact Sciences
Classification: Pathogenic for CEP290-related condition. Last evaluated: 2026-07-27. Review status: criteria provided, single submitter. Criteria: ACMG Guidelines, 2015. Collection method: clinical testing. Allele origin: germline. Not counted in ClinVar's aggregate classification.
Comment: The CEP290 c.4028delA variant is predicted to result in a frameshift and premature protein termination (p.Lys1343Argfs*2). This variant has been reported in the compound heterozygous state in individuals with Leber congenital amaurosis or Joubert syndrome (Perrault et al 2007. PubMed ID: 17345604; Bravo-Gil et al 2017. PubMed ID: 28157192; Sanchez-Navarro et al. 2018. PubMed ID: 29588463). This variant is reported in 0.022% of alleles in individuals of Latino descent in gnomAD. Frameshift variants in CEP290 are expected to be pathogenic. This variant is interpreted as pathogenic.

Myriad Genetics, Inc.
Classification: Pathogenic for CEP290-related ciliopathy. Last evaluated: 2026-01-20. Review status: criteria provided, single submitter. Criteria: Myriad Autosomal Dominant, Autosomal Recessive and X-Linked Classification Criteria (2023). Collection method: clinical testing. Allele origin: unknown. Not counted in ClinVar's aggregate classification.
Comment: NM_025114.3(CEP290):c.4028delA(K1343Rfs*2) is a frameshift variant classified as pathogenic in the context of CEP290-related disorders. K1343Rfs*2 has been observed in a case with relevant disease (PMID: 17345604). Relevant functional assessments of this variant are not available in the literature. K1343Rfs*2 has been observed in referenced population frequency databases. In summary, NM_025114.3(CEP290):c.4028delA(K1343Rfs*2) is a frameshift variant in a gene where loss of function is a known mechanism of disease, is predicted to disrupt protein function, and has been observed more frequently in cases with the relevant disease than in healthy populations. Please note: this variant was assessed in the context of healthy population screening.

Natera, Inc.
Classification: Pathogenic for Leber congenital amaurosis. Last evaluated: 2025-09-22. Review status: criteria provided, single submitter. Criteria: Natera Variant Classification Schema (03/2026). Collection method: clinical testing. Allele origin: germline. Not counted in ClinVar's aggregate classification.
Comment: The c.4028delA variant in CEP290 is a frameshift variant predicted to shift the reading frame beginning at codon 1343 and leads to a stop codon 2 codons downstream. This variant is expected to result in nonsense mediated decay, truncation, or a dysfunctional protein product. This variant is rare in the general population with a frequency below the threshold expected for the associated phenotype(s). This variant has been observed in one or more individuals affected with the associated recessive disease, as either homozygous or compound heterozygous with a second variant (PMID: 20805370). Given the available evidence, this variant is classified as Pathogenic.

GeneDx
Classification: Pathogenic. Last evaluated: 2025-01-21. Review status: criteria provided, single submitter. Criteria: GeneDx Variant Classification Process June 2021. Collection method: clinical testing. Allele origin: germline. Affected: yes. Not counted in ClinVar's aggregate classification.
Comment: Frameshift variant predicted to result in protein truncation or nonsense mediated decay in a gene for which loss of function is a known mechanism of disease; This variant is associated with the following publications: (PMID: 31964843, 17345604, 28157192, 29588463, 31980526, 33886416)

Labcorp Genetics (formerly Invitae), Labcorp
Classification: Pathogenic for Joubert syndrome; Meckel-Gruber syndrome; Nephronophthisis. Last evaluated: 2024-12-20. Review status: criteria provided, single submitter. Criteria: Invitae Variant Classification Sherloc (09022015). Collection method: clinical testing. Allele origin: germline. Not counted in ClinVar's aggregate classification.
Comment: This sequence change creates a premature translational stop signal (p.Lys1343Argfs*2) in the CEP290 gene. It is expected to result in an absent or disrupted protein product. Loss-of-function variants in CEP290 are known to be pathogenic (PMID: 16909394, 17345604, 20690115). This variant is present in population databases (no rsID available, gnomAD 0.02%). This premature translational stop signal has been observed in individuals with Leber congenital amaurosis and Joubert syndrome (PMID: 17345604, 29588463). ClinVar contains an entry for this variant (Variation ID: 618559). For these reasons, this variant has been classified as Pathogenic.

Fulgent Genetics
Classification: Pathogenic for Joubert syndrome 5; Senior-Loken syndrome 6; Meckel syndrome, type 4; Leber congenital amaurosis 10; Bardet-Biedl syndrome 14. Last evaluated: 2024-04-10. Review status: criteria provided, single submitter. Criteria: ACMG Guidelines, 2015. Collection method: clinical testing. Allele origin: germline. Not counted in ClinVar's aggregate classification.

Baylor Genetics
Classification: Pathogenic for Bardet-Biedl syndrome 14. Last evaluated: 2024-03-13. Review status: criteria provided, single submitter. Criteria: ACMG Guidelines, 2015. Collection method: clinical testing. Allele origin: unknown. Not counted in ClinVar's aggregate classification.

Greenwood Genetic Center Diagnostic Laboratories, Greenwood Genetic Center
Classification: Likely pathogenic for Joubert syndrome 5; Leber congenital amaurosis 10; Meckel syndrome, type 4; Senior-Loken syndrome 6. Last evaluated: 2021-06-29. Review status: criteria provided, single submitter. Criteria: ACMG Guidelines, 2015. Collection method: clinical testing. Allele origin: germline. Affected: yes. Not counted in ClinVar's aggregate classification.
Comment: PVS1, PM2

Knight Diagnostic Laboratories, Oregon Health and Sciences University
Classification: Pathogenic for Meckel syndrome, type 4. Last evaluated: 2017-11-10. Review status: criteria provided, single submitter. Criteria: ACMG Guidelines, 2015. Collection method: clinical testing. Allele origin: germline. Observed: 1 variant allele. Not counted in ClinVar's aggregate classification.

ARUP Laboratories, Molecular Genetics and Genomics, ARUP Laboratories
Classification: Pathogenic. Last evaluated: 2017-10-20. Review status: criteria provided, single submitter. Criteria: ARUP Molecular Germline Variant Investigation Process. Collection method: clinical testing. Allele origin: germline. Not counted in ClinVar's aggregate classification.

Literature cited by the submitters: PubMed 17345604 (cited by Myriad Genetics, Inc. and Labcorp Genetics (formerly Invitae), Labcorp); PubMed 20805370 (cited by Natera, Inc.); PubMed 16909394 (cited by Labcorp Genetics (formerly Invitae), Labcorp); PubMed 20690115 (cited by Labcorp Genetics (formerly Invitae), Labcorp); PubMed 29588463 (cited by Labcorp Genetics (formerly Invitae), Labcorp).